The following is an entry in ClinVar:

NM_133642.5(LARGE1):c.1730+7A>C

Gene: LARGE1 (LARGE xylosyl- and glucuronyltransferase 1; minus strand). Cytogenetic location: 22q12.3.
Variant type: single nucleotide variant.
Coding change: c.1730+7A>C on transcript NM_133642.5 (MANE Select); 7 bases into the intron after coding-DNA position 1730, A replaced by C.
Molecular consequence: intron variant.
Genome position (GRCh38, 1-based): chr22:33,304,222, T>G on the plus strand (A>C on the coding strand, the complement: LARGE1 is on the minus strand). VCF-style: chr22-33304222-T-G. GRCh37 (hg19) VCF-style: chr22-33700208-T-G.
Other names: c.1730+7A>C (NM_001362953.2, NM_001362949.2, NM_001378627.1 and 6 more transcripts); c.1574+7A>C (NM_001378629.1); c.971+7A>C (NM_001378631.1); c.1127+7A>C (NM_001378630.1).
Identifiers: ClinVar variation 3044059 (VCV003044059.2), dbSNP rs1417514888, ClinGen allele CA2402357820.

ClinVar aggregate classification (germline): Likely benign (0 of 4 stars; one submission).

Conditions:
LARGE1-related disorder. Also called: LARGE1-related condition.

Allele frequency attached by ClinVar (database versions not stated): TOPMed below 0.00001.

Submission:

PreventionGenetics, part of Exact Sciences
Classification: Likely benign for LARGE1-related condition. Last evaluated: 2022-05-11. Review status: no assertion criteria provided. Collection method: clinical testing. Allele origin: germline.
Comment: This variant is classified as likely benign based on ACMG/AMP sequence variant interpretation guidelines (Richards et al. 2015 PMID: 25741868, with internal and published modifications).